The following is an entry in ClinVar:

ClinVar aggregate classification (germline): Uncertain significance. Review status: criteria provided, multiple submitters, no conflicts (2 of 4 stars). 2 submissions from 2 submitters: Uncertain significance (2). Last evaluated 2025-04-08.

Conditions:
Alpha-methylacyl-CoA racemase deficiency (AMACRD). Also called: AMACR deficiency. Identifiers: Orphanet 79095, MedGen C3280428, MONDO:0013681, OMIM 614307. Disease mechanism: loss of function.

Allele frequency attached by ClinVar (database versions not stated): TOPMed 0.00001.

Submissions (2):

Labcorp Genetics (formerly Invitae), Labcorp
Classification: Uncertain significance for Alpha-methylacyl-CoA racemase deficiency. Last evaluated: 2025-04-08. Review status: criteria provided, single submitter. Criteria: Invitae Variant Classification Sherloc (09022015). Collection method: clinical testing. Allele origin: germline.
Comment: This sequence change replaces leucine, which is neutral and non-polar, with proline, which is neutral and non-polar, at codon 69 of the AMACR protein (p.Leu69Pro). This variant is not present in population databases (gnomAD no frequency). This variant has not been reported in the literature in individuals affected with AMACR-related conditions. ClinVar contains an entry for this variant (Variation ID: 802110). Invitae Evidence Modeling of protein sequence and biophysical properties (such as structural, functional, and spatial information, amino acid conservation, physicochemical variation, residue mobility, and thermodynamic stability) indicates that this missense variant is expected to disrupt AMACR protein function with a positive predictive value of 80%. In summary, the available evidence is currently insufficient to determine the role of this variant in disease. Therefore, it has been classified as a Variant of Uncertain Significance.

Mendelics
Classification: Uncertain significance for Alpha-methylacyl-CoA racemase deficiency. Last evaluated: 2019-05-28. Review status: criteria provided, single submitter. Criteria: Mendelics Assertion Criteria 2017. Collection method: clinical testing. Allele origin: unknown.

NM_014324.6(AMACR):c.206T>C (p.Leu69Pro)

Genes: C1QTNF3-AMACR (C1QTNF3-AMACR readthrough (NMD candidate); minus strand), AMACR (alpha-methylacyl-CoA racemase; minus strand). Cytogenetic location: 5p13.2.
Variant type: single nucleotide variant.
Coding change: c.206T>C on transcript NM_014324.6 (MANE Select); coding-DNA position 206, T replaced by C.
Protein change: p.Leu69Pro; replaces leucine 69 with proline.
Molecular consequence: missense variant.
Genome position (GRCh38, 1-based): chr5:34,007,814, A>G on the plus strand (T>C on the coding strand, the complement: AMACR is on the minus strand). VCF-style: chr5-34007814-A-G. GRCh37 (hg19) VCF-style: chr5-34007919-A-G.
Other names: c.206T>C, p.Leu69Pro (NM_001167595.2, NM_203382.3); short protein forms L69P.
Identifiers: ClinVar variation 802110 (VCV000802110.5), dbSNP rs915168123, ClinGen allele CA116872649.